The following is an entry in ClinVar:

NM_007294.4(BRCA1):c.2161_2162insG (p.Phe721fs)

Gene: BRCA1 (BRCA1 DNA repair associated; minus strand). Cytogenetic location: 17q21.31.
Variant type: Insertion.
Coding change: c.2161_2162insG on transcript NM_007294.4 (MANE Select); coding-DNA positions 2161 to 2162, G inserted.
Protein change: p.Phe721fs; shifts the reading frame from phenylalanine 721.
Molecular consequence: frameshift variant. On other transcripts: intron variant (137).
Genome position: GRCh38 VCF-style: chr17-43093369-A-AC. GRCh37 (hg19) VCF-style: chr17-41245386-A-AC.
Other names: 2280_2281insG; c.1948_1949insG, p.Phe650fs (NM_001407571.1, NM_001407897.1, NM_001407898.1 and 9 more transcripts); c.2161_2162insG, p.Phe721fs (NM_001407581.1, NM_001407582.1, NM_001407583.1 and 30 more transcripts); c.2158_2159insG, p.Phe720fs (NM_001407587.1, NM_001407590.1, NM_001407591.1 and 22 more transcripts); c.2083_2084insG, p.Phe695fs (NM_001407654.1, NM_001407655.1, NM_001407656.1 and 4 more transcripts); c.2080_2081insG, p.Phe694fs (NM_001407659.1, NM_001407660.1, NM_001407661.1 and 1 more transcripts); c.2035_2036insG, p.Phe679fs (NM_001407672.1, NM_001407673.1, NM_001407690.1 and 11 more transcripts); c.2038_2039insG, p.Phe680fs (NM_001407674.1, NM_001407675.1, NM_001407676.1 and 19 more transcripts); and 42 more; short protein forms F674fs, F721fs, F553fs, F632fs, F651fs, F679fs, F718fs, F425fs.
Identifiers: ClinVar variation 266229 (VCV000266229.6), dbSNP rs886040006, ClinGen allele CA10589883.

ClinVar aggregate classification (germline): Pathogenic. Review status: reviewed by expert panel (3 of 4 stars). 2 submissions from 2 submitters: Pathogenic (1). 1 of the submissions does not count toward it. Last evaluated 2016-10-18.

Conditions:
Breast-ovarian cancer, familial, susceptibility to, 1 (BROVCA1). Also called: BRCA1 Hereditary Breast and Ovarian Cancer; OVARIAN CANCER, SUSCEPTIBILITY TO. Identifiers: Orphanet 145, MedGen C2676676, MONDO:0011450, OMIM 604370. Disease mechanism: loss of function.

Submissions (2):

Evidence-based Network for the Interpretation of Germline Mutant Alleles (ENIGMA)
Classification: Pathogenic for Breast-ovarian cancer, familial, susceptibility to, 1. Last evaluated: 2016-10-18. Review status: reviewed by expert panel. Criteria: ENIGMA BRCA1/2 Classification Criteria (2015). Collection method: curation. Allele origin: germline.
Comment: Variant allele predicted to encode a truncated non-functional protein.

Consortium of Investigators of Modifiers of BRCA1/2 (CIMBA), c/o University of Cambridge
Classification: Pathogenic for Breast-ovarian cancer, familial, susceptibility to, 1. Last evaluated: 2015-10-02. Review status: criteria provided, single submitter. Criteria: CIMBA Mutation Classification guidelines May 2016. Collection method: clinical testing. Allele origin: germline. Not counted in ClinVar's aggregate classification.